The following is an entry in ClinVar:

ClinVar aggregate classification (germline): Uncertain significance (1 of 4 stars; one submission).

Submission:

Labcorp Genetics (formerly Invitae), Labcorp
Classification: Uncertain significance. Last evaluated: 2022-11-17. Review status: criteria provided, single submitter. Criteria: Invitae Variant Classification Sherloc (09022015). Collection method: clinical testing. Allele origin: germline.
Comment: In summary, the available evidence is currently insufficient to determine the role of this variant in disease. Therefore, it has been classified as a Variant of Uncertain Significance. Algorithms developed to predict the effect of sequence changes on RNA splicing suggest that this variant may create or strengthen a splice site. This variant has not been reported in the literature in individuals affected with RIPK1-related conditions. This variant is not present in population databases (gnomAD no frequency). This sequence change falls in intron 9 of the RIPK1 gene. It does not directly change the encoded amino acid sequence of the RIPK1 protein.

NM_001354930.2(RIPK1):c.1577-5T>A

Gene: RIPK1 (receptor interacting serine/threonine kinase 1; plus strand). Cytogenetic location: 6p25.2.
Variant type: single nucleotide variant.
Coding change: c.1577-5T>A on transcript NM_001354930.2 (MANE Select); 5 bases into the intron before coding-DNA position 1577, T replaced by A.
Molecular consequence: intron variant.
Genome position (GRCh38, 1-based): chr6:3,110,798, T>A. VCF-style: chr6-3110798-T-A. GRCh37 (hg19) VCF-style: chr6-3111032-T-A.
Other names: c.1088-5T>A (NM_001317061.3, NM_001354932.2, NM_001354934.2 and 1 more transcripts); c.1577-5T>A (NM_003804.6); c.1439-5T>A (NM_001354931.2).
Identifiers: ClinVar variation 2814898 (VCV002814898.3), dbSNP rs2533381324, ClinGen allele CA2739272829.